The following is an entry in ClinVar:

NM_001267550.2(TTN):c.70864G>A (p.Val23622Ile)

Genes: TTN (titin; minus strand), TTN-AS1 (TTN antisense RNA 1; plus strand). Cytogenetic location: 2q31.2.
Variant type: single nucleotide variant.
Coding change: c.70864G>A on transcript NM_001267550.2 (MANE Select); coding-DNA position 70864, G replaced by A.
Protein change: p.Val23622Ile; replaces valine 23622 with isoleucine.
Molecular consequence: missense variant.
Genome position (GRCh38, 1-based): chr2:178,575,268, C>T on the plus strand (G>A on the coding strand, the complement: TTN is on the minus strand). VCF-style: chr2-178575268-C-T. GRCh37 (hg19) VCF-style: chr2-179439995-C-T.
Other names: p.Val21981Ile; c.65941G>A, p.Val21981Ile (NM_001256850.1); c.43669G>A, p.Val14557Ile (NM_003319.4); c.63160G>A, p.Val21054Ile (NM_133378.4); c.44044G>A, p.Val14682Ile (NM_133432.3); c.44245G>A, p.Val14749Ile (NM_133437.4); short protein forms V21054I, V23622I, V21981I, V14557I, V14749I, V14682I.
Identifiers: ClinVar variation 496993 (VCV000496993.18), dbSNP rs72646892, ClinGen allele CA1990711.

ClinVar aggregate classification (germline): Conflicting classifications of pathogenicity. Review status: criteria provided, conflicting classifications (1 of 4 stars). 7 submissions from 7 submitters: Uncertain significance (6); Likely benign (1). Last evaluated 2026-03-11.

Conditions:
TTN-related disorder. Also called: TTN-related condition; TTN-related disease; TTN-related disorders.
Dilated cardiomyopathy 1G (CMD1G). Identifiers: Orphanet 154, MedGen C1858763, MONDO:0011400, OMIM 604145.
Hypertrophic cardiomyopathy 9. Also called: Familial hypertrophic cardiomyopathy 9. Identifiers: MedGen C1861065, MONDO:0013412, OMIM 613765.
Cardiomyopathy (CMYO). Also called: Cardiomyopathies. Identifiers: Orphanet 167848, MedGen C0878544, MONDO:0004994, HP:0001638. Inheritance: Various modes of inheritance.

Allele frequency attached by ClinVar (database versions not stated): ExAC 0.00003; gnomAD exomes 0.00004; gnomAD 0.00005 and 0.00009; ESP Exome Variant Server 0.00008; TOPMed 0.00015.
gnomAD v4.1: 66 of 1,613,114 alleles (0.0041%); highest among the groups gnomAD compares: East Asian, 0.0045%; no homozygotes.

Submissions (7):

PreventionGenetics, part of Exact Sciences
Classification: Uncertain significance for TTN-related condition. Last evaluated: 2026-03-11. Review status: criteria provided, single submitter. Criteria: ACMG Guidelines, 2015. Collection method: clinical testing. Allele origin: germline.
Comment: The TTN c.70864G>A variant is predicted to result in the amino acid substitution p.Val23622Ile. This variant has been reported as a variant of uncertain significance in an individual with hypertrophic cardiomyopathy (described as p.Val21054Ile in Supplementary File 2, van Lint et al. 2019. PubMed ID: 30847666). This variant is reported in 0.0080% of alleles in individuals of European (Non-Finnish) descent in gnomAD. At this time, the clinical significance of this variant is uncertain due to the absence of conclusive functional and genetic evidence.

Clinical Genomics Laboratory, Washington University in St. Louis
Classification: Uncertain significance for Dilated cardiomyopathy 1G; Hypertrophic cardiomyopathy 9. Last evaluated: 2025-01-21. Review status: criteria provided, single submitter. Criteria: ACMG Guidelines, 2015. Collection method: clinical testing. Allele origin: germline.
Comment: The TTN c.70864G>A (p.Val23622Ile) variant, to our knowledge, has not been reported in the medical literature. This variant has been reported in the ClinVar database as a germline variant of uncertain significance by four submitters and germline likely benign variant by one submitter (Variation ID: 496993). This variant is observed on 10/247,862 alleles in the general population (gnomAD v.2.1.1). Computational predictors suggest that the variant does not impact TTN function. Due to limited information, and based on ACMG/AMP guidelines for variant interpretation (Richards S et al., PMID: 25741868), the clinical significance of the TTN c.70864G>A (p.Val23622Ile) variant is uncertain at this time.

Mayo Clinic Laboratories, Mayo Clinic
Classification: Uncertain significance. Last evaluated: 2025-01-15. Review status: criteria provided, single submitter. Criteria: ACMG Guidelines, 2015. Collection method: clinical testing. Allele origin: germline. Observed: 2 variant alleles.
Comment: BP4

Revvity Omics, Revvity
Classification: Uncertain significance. Last evaluated: 2023-03-30. Review status: criteria provided, single submitter. Criteria: ACMG Guidelines, 2015. Collection method: clinical testing. Allele origin: germline.

GeneDx
Classification: Likely benign. Last evaluated: 2019-03-20. Review status: criteria provided, single submitter. Criteria: GeneDx Variant Classification Process June 2021. Collection method: clinical testing. Allele origin: germline. Affected: yes.
Comment: This variant is associated with the following publications: (PMID: 30847666)

CHEO Genetics Diagnostic Laboratory, Children's Hospital of Eastern Ontario
Classification: Uncertain significance for Cardiomyopathy. Last evaluated: 2018-01-30. Review status: criteria provided, single submitter. Criteria: ACMG Guidelines, 2015. Collection method: clinical testing. Allele origin: germline.

Eurofins Ntd Llc (ga)
Classification: Uncertain significance. Last evaluated: 2017-09-15. Review status: criteria provided, single submitter. Criteria: EGL Classification Definitions 2015. Collection method: clinical testing. Allele origin: germline. Observed: 3 variant alleles, 3 heterozygotes.

Literature cited by the submitters: PubMed 30847666 (cited by Mayo Clinic Laboratories, Mayo Clinic).